The following is an entry in ClinVar:

ClinVar aggregate classification (germline): Pathogenic. Review status: criteria provided, single submitter (1 of 4 stars). 2 submissions from 2 submitters: Pathogenic (1). 1 of the submissions does not count toward it. Last evaluated 2021-01-12.

Conditions:
Hereditary cancer-predisposing syndrome. Also called: Hereditary Cancer Syndrome; Hereditary neoplastic syndrome; Neoplastic Syndromes, Hereditary; Tumor predisposition. Identifiers: Orphanet 140162, MedGen C0027672, MeSH D009386, MONDO:0015356.
Hereditary breast ovarian cancer syndrome. Also called: Hereditary breast and ovarian cancer syndrome (HBOC); Breast and ovarian cancer; BRCA1- and BRCA2-Associated Hereditary Breast and Ovarian Cancer; Hereditary breast and/or ovarian cancer syndrome; Hereditary breast and ovarian cancer; Hereditary breast and ovarian cancer syndrome. Identifiers: Orphanet 145, MedGen C0677776, MeSH D061325, MONDO:0003582. Disease mechanism: loss of function.

Submissions (2):

Ambry Genetics
Classification: Pathogenic for Hereditary cancer-predisposing syndrome. Last evaluated: 2021-01-12. Review status: criteria provided, single submitter. Criteria: Ambry Variant Classification Scheme 2023. Collection method: clinical testing. Allele origin: germline.
Comment: The c.3747dupC pathogenic mutation, located in coding exon 9 of the BRCA1 gene, results from a duplication of C at nucleotide position 3747, causing a translational frameshift with a predicted alternate stop codon (p.E1250Rfs*5). This alteration is expected to result in loss of function by premature protein truncation or nonsense-mediated mRNA decay. As such, this alteration is interpreted as a disease-causing mutation.

Research Molecular Genetics Laboratory, Women's College Hospital, University of Toronto
Classification: Pathogenic for Hereditary breast ovarian cancer syndrome. Last evaluated: 2014-01-31. Review status: no assertion criteria provided. Collection method: research. Allele origin: germline. Affected: yes. Study: The Canadian Open Genetics Repository (COGR). Not counted in ClinVar's aggregate classification.

NM_007294.4(BRCA1):c.3747dup (p.Glu1250fs)

Genes: BRCA1 (BRCA1 DNA repair associated; minus strand), LOC126862571 (BRD4-independent group 4 enhancer GRCh37_chr17:41243136-41244335; plus strand). Cytogenetic location: 17q21.31.
Variant type: Duplication.
Coding change: c.3747dup on transcript NM_007294.4 (MANE Select); coding-DNA position 3747, one base duplicated (C; older notation c.3747dupC).
Protein change: p.Glu1250fs; shifts the reading frame from glutamic acid 1250.
Molecular consequence: frameshift variant. On other transcripts: intron variant (135).
Genome position (GRCh38, 1-based): chr17:43,091,784, G duplicated on the plus strand (C on the coding strand, the reverse complement: BRCA1 is on the minus strand); the first of 2 consecutive G bases (chr17:43,091,784-43,091,785); duplicating either gives the same sequence. VCF-style (leftmost placement, unchanged base first): chr17-43091783-C-CG. GRCh37 (hg19) VCF-style: chr17-41243800-C-CG.
Other names: c.3747_3748insC (NM_007294.3); c.3537dup, p.Glu1180fs (NM_001407906.1, NM_001407907.1, NM_001407908.1 and 13 more transcripts); c.3534dup, p.Glu1179fs (NM_001407915.1, NM_001407916.1, NM_001407917.1 and 9 more transcripts); c.3624dup, p.Glu1209fs (NM_001407919.1, NM_001407937.1, NM_001407938.1 and 19 more transcripts); c.3483dup, p.Glu1162fs (NM_001407920.1, NM_001407921.1, NM_001407922.1 and 9 more transcripts); c.3480dup, p.Glu1161fs (NM_001407930.1, NM_001407931.1, NM_001407932.1 and 2 more transcripts); c.3621dup, p.Glu1208fs (NM_001407940.1, NM_001407941.1, NM_001407649.1 and 11 more transcripts); c.3606dup, p.Glu1203fs (NM_001407942.1, NM_001407944.1, NM_001407945.1 and 29 more transcripts); and 43 more; short protein forms E1250fs, E1203fs, E1139fs, E1161fs, E1162fs, E1179fs, E1202fs, E1223fs.
Identifiers: ClinVar variation 431251 (VCV000431251.4), dbSNP rs1555587185, ClinGen allele CA645373175.